The following is an entry in ClinVar:

ClinVar aggregate classification (germline): Conflicting classifications of pathogenicity. Review status: criteria provided, conflicting classifications (1 of 4 stars). 7 submissions from 6 submitters: Uncertain significance (6); Likely benign (1). Last evaluated 2025-03-12.

Conditions:
Adams-Oliver syndrome 5 (AOS5). Identifiers: Orphanet 974, MedGen C4014970, MONDO:0014459, OMIM 616028.
Familial thoracic aortic aneurysm and aortic dissection (TAAD). Also called: Thoracic aortic aneurysms and dissections. Identifiers: Orphanet 91387, MedGen C4707243, MONDO:0019625.
Aortic valve disease 1 (AOVD1). Identifiers: MedGen C3887892, MONDO:0024523, OMIM 109730.

Allele frequency attached by ClinVar (database versions not stated): TOPMed 0.00002; gnomAD 0.00004; ExAC 0.00001.
gnomAD v4.1: 22 of 1,606,844 alleles (0.0014%); highest among the groups gnomAD compares: Admixed American, 0.005%; no homozygotes.

Submissions (7):

ARUP Laboratories, Molecular Genetics and Genomics, ARUP Laboratories
Classification: Uncertain significance. Last evaluated: 2025-03-12. Review status: criteria provided, single submitter. Criteria: ARUP Molecular Germline Variant Investigation Process 2024. Collection method: clinical testing. Allele origin: germline.
Comment: The NOTCH1 c.2728G>A; p.Asp910Asn variant (rs765293859, ClinVar Variation ID: 652135) is reported in the literature in one individuals affected with hereditary thoracic aortic disease (Overwater 2018). This variant is only observed on three alleles in the Genome Aggregation Database (v2.1.1), indicating it is not a common polymorphism. Computational analyses are uncertain whether this variant is neutral or deleterious (REVEL: 0.471). Due to limited information, the clinical significance of this variant is uncertain at this time. References: Overwater E et al. Results of next-generation sequencing gene panel diagnostics including copy-number variation analysis in 810 patients suspected of heritable thoracic aortic disorders. Hum Mutat. 2018 Sep;39(9):1173-1192. PMID: 29907982.

Labcorp Genetics (formerly Invitae), Labcorp
Classification: Likely benign for Adams-Oliver syndrome 5. Last evaluated: 2024-06-19. Review status: criteria provided, single submitter. Criteria: Invitae Variant Classification Sherloc (09022015). Collection method: clinical testing. Allele origin: germline.

Ambry Genetics
Classification: Uncertain significance for Familial thoracic aortic aneurysm and aortic dissection. Last evaluated: 2024-06-11. Review status: criteria provided, single submitter. Criteria: Ambry Variant Classification Scheme 2023. Collection method: clinical testing. Allele origin: germline.
Comment: The p.D910N variant (also known as c.2728G>A), located in coding exon 17 of the NOTCH1 gene, results from a G to A substitution at nucleotide position 2728. The aspartic acid at codon 910 is replaced by asparagine, an amino acid with highly similar properties. This variant has been reported in a thoracic aortic aneurysm and dissection (TAAD) cohort (Overwater E et al. Hum Mutat, 2018 Sep;39:1173-1192). This amino acid position is highly conserved in available vertebrate species. In addition, this alteration is predicted to be tolerated by in silico analysis. Based on the available evidence, the clinical significance of this variant remains unclear.

Genome-Nilou Lab
Classification: Uncertain significance for Adams-Oliver syndrome 5. Last evaluated: 2022-03-15. Review status: criteria provided, single submitter. Criteria: ACMG Guidelines, 2015. Collection method: clinical testing. Allele origin: germline. Affected: no.

Genome-Nilou Lab
Classification: Uncertain significance for Aortic valve disease 1. Last evaluated: 2022-03-15. Review status: criteria provided, single submitter. Criteria: ACMG Guidelines, 2015. Collection method: clinical testing. Allele origin: germline. Affected: no.

Blueprint Genetics
Classification: Uncertain significance. Last evaluated: 2021-12-13. Review status: criteria provided, single submitter. Criteria: ACMG Guidelines, 2015. Collection method: clinical testing. Allele origin: germline.

GeneDx
Classification: Uncertain significance. Last evaluated: 2021-08-25. Review status: criteria provided, single submitter. Criteria: GeneDx Variant Classification Process June 2021. Collection method: clinical testing. Allele origin: germline. Affected: yes.
Comment: Identified in a patient with a suspected heritable thoracic aortic disorder (Overwater et al., 2018); Reported in ClinVar as a variant of uncertain significance (ClinVar Variant ID# 652135; Landrum et al., 2016); Not observed at significant frequency in large population cohorts (Lek et al., 2016); In silico analysis supports that this missense variant has a deleterious effect on protein structure/function; This variant is associated with the following publications: (PMID: 29907982)

Literature cited by the submitters: PubMed 29907982 (cited by Ambry Genetics).

NM_017617.5(NOTCH1):c.2728G>A (p.Asp910Asn)

Gene: NOTCH1 (notch receptor 1; minus strand). Cytogenetic location: 9q34.3.
Variant type: single nucleotide variant.
Coding change: c.2728G>A on transcript NM_017617.5 (MANE Select); coding-DNA position 2728, G replaced by A.
Protein change: p.Asp910Asn; replaces aspartic acid 910 with asparagine.
Molecular consequence: missense variant.
Genome position (GRCh38, 1-based): chr9:136,510,665, C>T on the plus strand (G>A on the coding strand, the complement: NOTCH1 is on the minus strand). VCF-style: chr9-136510665-C-T. GRCh37 (hg19) VCF-style: chr9-139405117-C-T.
Other names: c.2728G>A, p.Asp910Asn (LRG_1122t1); short protein forms D910N.
Identifiers: ClinVar variation 652135 (VCV000652135.16), dbSNP rs765293859, ClinGen allele CA5341190.
Genomic context (GRCh38, chr9:136,510,665, plus strand): 5'-GAGGCCTGAGAGCTTCCTGGAGGAGGCCAGAGCCGCGGGGCTACTCACTGGGCCGGCAGT[C>T]GTCGATGTCGGTCTCGCAGTTGCGCCCACTGTAGCCGGCCTGGCAGTGGCAGCGGTAGCC-3'
Protein context (NP_060087.3, residues 900-920): SGRNCETDID[Asp910Asn]CRPNPCHNGG